The following is an entry in ClinVar:

NM_017721.5(CC2D1A):c.464_484dup (p.Arg155_Ala161dup)

Gene: CC2D1A (coiled-coil and C2 domain containing 1A; plus strand). Cytogenetic location: 19p13.12.
Variant type: Duplication.
Coding change: c.464_484dup on transcript NM_017721.5 (MANE Select); coding-DNA positions 464 to 484, 21 bases duplicated (GACAAGCTGGAGACAGCGCCA).
Protein change: p.Arg155_Ala161dup.
Molecular consequence: inframe insertion.
Genome position (GRCh38, 1-based): chr19:13,913,253-13,913,273, GACAAGCTGGAGACAGCGCCA duplicated; duplicating any 21 consecutive bases within chr19:13,913,246-13,913,273 gives the same sequence; the c. name uses the placement nearest the transcript's 3' end. VCF-style (leftmost placement, unchanged base first): chr19-13913245-A-AAGCGCCAGACAAGCTGGAGAC. GRCh37 (hg19) VCF-style: chr19-14024058-A-AAGCGCCAGACAAGCTGGAGAC.
Other names: c.464_484dupGACAAGCTGGAGACAGCGCCA (NM_017721.4).
Identifiers: ClinVar variation 1338299 (VCV001338299.8), dbSNP rs771412521, ClinGen allele CA9244292.

ClinVar aggregate classification (germline): Uncertain significance. Review status: criteria provided, multiple submitters, no conflicts (2 of 4 stars). 4 submissions from 4 submitters: Uncertain significance (4). Last evaluated 2025-06-06.

Conditions:
Inborn genetic diseases. Identifiers: MedGen C0950123, MeSH D030342.

Submissions (4):

GeneDx
Classification: Uncertain significance. Last evaluated: 2025-06-06. Review status: criteria provided, single submitter. Criteria: GeneDx Variant Classification Process June 2021. Collection method: clinical testing. Allele origin: germline. Affected: yes.
Comment: In-frame duplication of 7 amino acids in a non-repeat region; Has not been previously published as pathogenic or benign to our knowledge

Blueprint Genetics
Classification: Uncertain significance. Last evaluated: 2024-08-28. Review status: criteria provided, single submitter. Criteria: ACMG Guidelines, 2015. Collection method: clinical testing. Allele origin: germline.

Ambry Genetics
Classification: Uncertain significance for Inborn genetic diseases. Last evaluated: 2020-12-28. Review status: criteria provided, single submitter. Criteria: Ambry Variant Classification Scheme 2023. Collection method: clinical testing. Allele origin: germline.
Comment: The c.464_484dupGACAAGCTGGAGACAGCGCCA (p.R155_A161dup) alteration is located in exon 5 (coding exon 5) of the CC2D1A gene. The alteration consists of an in-frame duplication of 21 nucleotides from position 464 to 484, resulting in the duplication of 7 residues. Based on insufficient or conflicting evidence, the clinical significance of this alteration remains unclear.

Genetic Services Laboratory, University of Chicago
Classification: Uncertain significance. Last evaluated: 2017-09-25. Review status: criteria provided, single submitter. Criteria: ACMG Guidelines, 2015. Collection method: clinical testing. Allele origin: germline. Affected: no.